The following is an entry in ClinVar:

ClinVar aggregate classification (germline): Conflicting classifications of pathogenicity. Review status: criteria provided, conflicting classifications (1 of 4 stars). 5 submissions from 5 submitters: Uncertain significance (1); Likely benign (4). Last evaluated 2025-08-29.

Conditions:
Mowat-Wilson syndrome (MOWS). Also called: Classic Mowat-Wilson Syndrome. Identifiers: Orphanet 2152, MedGen C1856113, MONDO:0009341, OMIM 235730.

Allele frequency attached by ClinVar (database versions not stated): gnomAD below 0.00001 and 0.00001; TOPMed below 0.00001; gnomAD exomes 0.00005; ExAC 0.00007.
gnomAD v4.1: 48 of 1,614,014 alleles (0.003%); highest among the groups gnomAD compares: South Asian, 0.045%; no homozygotes.

Submissions (5):

Labcorp Genetics (formerly Invitae), Labcorp
Classification: Likely benign for Mowat-Wilson syndrome. Last evaluated: 2025-08-29. Review status: criteria provided, single submitter. Criteria: Invitae Variant Classification Sherloc (09022015). Collection method: clinical testing. Allele origin: germline.

Genome-Nilou Lab
Classification: Likely benign for Mowat-Wilson syndrome. Last evaluated: 2021-11-07. Review status: criteria provided, single submitter. Criteria: ACMG Guidelines, 2015. Collection method: clinical testing. Allele origin: germline. Affected: no.

Blueprint Genetics
Classification: Likely benign. Last evaluated: 2021-05-20. Review status: criteria provided, single submitter. Criteria: ACMG Guidelines, 2015. Collection method: clinical testing. Allele origin: germline.

Center for Genomics, Ann and Robert H. Lurie Children's Hospital of Chicago
Classification: Uncertain significance for Mowat-Wilson syndrome. Last evaluated: 2021-03-30. Review status: criteria provided, single submitter. Criteria: ACMG Guidelines, 2015. Collection method: clinical testing. Allele origin: germline.
Comment: ZEB2 NM_014795.3 exon 8 p.Pro742= (c.2226A>T): This variant has not been reported in the literature but is present in 13/30782 South Asian alleles in the Genome Aggregation Database. This variant is present in ClinVar (Variation ID:511735). Evolutionary conservation and computational predictive tools for this variant are limited or unavailable. Of note, this variant is a silent variant and does not change the amino acid, reducing the probability that this variant is disease causing. In summary, data on this variant is insufficient for disease classification. Therefore, the clinical significance of this variant is uncertain.

GeneDx
Classification: Likely benign. Last evaluated: 2017-08-24. Review status: criteria provided, single submitter. Criteria: GeneDx Variant Classification (06012015). Collection method: clinical testing. Allele origin: germline. Affected: yes.
Comment: This variant is considered likely benign or benign based on one or more of the following criteria: it is a conservative change, it occurs at a poorly conserved position in the protein, it is predicted to be benign by multiple in silico algorithms, and/or has population frequency not consistent with disease.

NM_014795.4(ZEB2):c.2226A>T (p.Pro742=)

Gene: ZEB2 (zinc finger E-box binding homeobox 2; minus strand). Cytogenetic location: 2q22.3.
Variant type: single nucleotide variant.
Coding change: c.2226A>T on transcript NM_014795.4 (MANE Select); coding-DNA position 2226, A replaced by T.
Protein change: p.Pro742=; no amino-acid change (proline 742 retained).
Molecular consequence: synonymous variant.
Genome position (GRCh38, 1-based): chr2:144,398,961, T>A on the plus strand (A>T on the coding strand, the complement: ZEB2 is on the minus strand). VCF-style: chr2-144398961-T-A. GRCh37 (hg19) VCF-style: chr2-145156528-T-A.
Other names: c.2154A>T, p.Pro718= (NM_001171653.2).
Identifiers: ClinVar variation 511735 (VCV000511735.15), dbSNP rs540345773, ClinGen allele CA1898270.
Genomic context (GRCh38, chr2:144,398,961, plus strand): 5'-TTTTGTTAGCCTGAGAGGAGGATCACAATTCGTAACACTGTTGTGGAGTTCTGCTATAGA[T>A]GGTGATGTTATGGAGTCCATAGGTTTTACAGGAGACCTGGGTAATAAAGAGTCTTTTGTG-3'
Protein context (NP_055610.1, residues 732-752): PVKPMDSITS[Pro742=]SIAELHNSVT